The following is an entry in ClinVar:

ClinVar aggregate classification (germline): Conflicting classifications of pathogenicity. Review status: criteria provided, conflicting classifications (1 of 4 stars). 2 submissions from 2 submitters: Uncertain significance (1); Likely benign (1). Last evaluated 2026-01-12.

Allele frequency attached by ClinVar (database versions not stated): TOPMed 0.00003; ExAC 0.00006; gnomAD 0.00007 and 0.00006; gnomAD exomes 0.00004; ESP Exome Variant Server 0.00008.
gnomAD v4.1: 92 of 1,612,216 alleles (0.0057%); highest among the groups gnomAD compares: Middle Eastern, 0.016%; no homozygotes.

Submissions (2):

GeneDx
Classification: Uncertain significance. Last evaluated: 2026-01-12. Review status: criteria provided, single submitter. Criteria: GeneDx Variant Classification Process June 2021. Collection method: clinical testing. Allele origin: germline.
Comment: Has not been previously published as pathogenic or benign to our knowledge; In silico analysis suggests that this missense variant does not alter protein structure/function

Labcorp Genetics (formerly Invitae), Labcorp
Classification: Likely benign. Last evaluated: 2025-11-27. Review status: criteria provided, single submitter. Criteria: Invitae Variant Classification Sherloc (09022015). Collection method: clinical testing. Allele origin: germline.

NM_001844.5(COL2A1):c.1738G>T (p.Ala580Ser)

Gene: COL2A1 (collagen type II alpha 1 chain; minus strand). Cytogenetic location: 12q13.11.
Variant type: single nucleotide variant.
Coding change: c.1738G>T on transcript NM_001844.5 (MANE Select); coding-DNA position 1738, G replaced by T.
Protein change: p.Ala580Ser; replaces alanine 580 with serine.
Molecular consequence: missense variant.
Genome position (GRCh38, 1-based): chr12:47,985,090, C>A on the plus strand (G>T on the coding strand, the complement: COL2A1 is on the minus strand). VCF-style: chr12-47985090-C-A. GRCh37 (hg19) VCF-style: chr12-48378873-C-A.
Other names: c.1531G>T, p.Ala511Ser (NM_033150.3); c.1738G>T (NM_001844.4); short protein forms A580S, A511S.
Identifiers: ClinVar variation 1384556 (VCV001384556.8), dbSNP rs146604807, ClinGen allele CA6535384.